The following is an entry in ClinVar:

NM_001365951.3(KIF1B):c.1720G>A (p.Ala574Thr)

Gene: KIF1B (kinesin family member 1B; plus strand). Cytogenetic location: 1p36.22.
Variant type: single nucleotide variant.
Coding change: c.1720G>A on transcript NM_001365951.3 (MANE Select); coding-DNA position 1720, G replaced by A.
Protein change: p.Ala574Thr; replaces alanine 574 with threonine.
Molecular consequence: missense variant.
Genome position (GRCh38, 1-based): chr1:10,295,709, G>A. VCF-style: chr1-10295709-G-A. GRCh37 (hg19) VCF-style: chr1-10355767-G-A.
Other names: c.1720G>A, p.Ala574Thr (NM_001365952.1); c.1582G>A, p.Ala528Thr (NM_001365953.1, NM_015074.3, NM_183416.4); short protein forms A528T, A574T.
Identifiers: ClinVar variation 1775739 (VCV001775739.5), dbSNP rs749223318, ClinGen allele CA581062.
Genomic context (GRCh38, chr1:10,295,709, plus strand): 5'-CTTGTGTTCAGGGTTGGCCAAGCAGATGCTGAGCGGCGCCAGGACATAGTGCTGAGCGGG[G>A]CTCACATTAAAGAAGAGCATTGTATCTTCCGGAGTGAGAGAAGCAACAGCGGGGAAGGTG-3'
Protein context (NP_001352880.1, residues 564-584): ERRQDIVLSG[Ala574Thr]HIKEEHCIFR

ClinVar aggregate classification (germline): Uncertain significance. Review status: criteria provided, multiple submitters, no conflicts (2 of 4 stars). 2 submissions from 2 submitters: Uncertain significance (2). Last evaluated 2024-10-27.

Conditions:
Charcot-Marie-Tooth disease type 2. Also called: Charcot-Marie-Tooth type 2. Identifiers: Orphanet 64746, MedGen C0270914, MONDO:0018993.

Allele frequency attached by ClinVar (database versions not stated): gnomAD exomes 0.00001; ExAC 0.00002; TOPMed below 0.00001.

Submissions (2):

Labcorp Genetics (formerly Invitae), Labcorp
Classification: Uncertain significance for Charcot-Marie-Tooth disease type 2. Last evaluated: 2024-10-27. Review status: criteria provided, single submitter. Criteria: Invitae Variant Classification Sherloc (09022015). Collection method: clinical testing. Allele origin: germline.
Comment: This sequence change replaces alanine, which is neutral and non-polar, with threonine, which is neutral and polar, at codon 528 of the KIF1B protein (p.Ala528Thr). This variant is present in population databases (rs749223318, gnomAD 0.009%). This variant has not been reported in the literature in individuals affected with KIF1B-related conditions. ClinVar contains an entry for this variant (Variation ID: 1775739). Invitae Evidence Modeling of protein sequence and biophysical properties (such as structural, functional, and spatial information, amino acid conservation, physicochemical variation, residue mobility, and thermodynamic stability) indicates that this missense variant is not expected to disrupt KIF1B protein function with a negative predictive value of 80%. In summary, the available evidence is currently insufficient to determine the role of this variant in disease. Therefore, it has been classified as a Variant of Uncertain Significance.

Ambry Genetics
Classification: Uncertain significance. Last evaluated: 2024-03-09. Review status: criteria provided, single submitter. Criteria: Ambry Variant Classification Scheme 2023. Collection method: clinical testing. Allele origin: germline.
Comment: The p.A528T variant (also known as c.1582G>A), located in coding exon 16 of the KIF1B gene, results from a G to A substitution at nucleotide position 1582. The alanine at codon 528 is replaced by threonine, an amino acid with similar properties. This amino acid position is conserved. In addition, the in silico prediction for this alteration is inconclusive. Since supporting evidence is limited at this time, the clinical significance of this alteration remains unclear.